The following is an entry in ClinVar:

ClinVar aggregate classification (germline): Conflicting classifications of pathogenicity. Review status: criteria provided, conflicting classifications (1 of 4 stars). 6 submissions from 6 submitters: Likely pathogenic (4); Uncertain significance (2). Last evaluated 2024-06-02.

Conditions:
Dyskeratosis congenita. Identifiers: Orphanet 1775, MedGen C0265965, MONDO:0015780.
Cerebroretinal microangiopathy with calcifications and cysts 1 (CRMCC1). Identifiers: Orphanet 313838, MedGen C4552029, MONDO:0024564, OMIM 612199.

Allele frequency attached by ClinVar (database versions not stated): gnomAD exomes below 0.00001 and 0.00001; TOPMed below 0.00001 and 0.00001; ExAC 0.00001; gnomAD 0.00001.
gnomAD v4.1: 15 of 1,611,808 alleles (0.00093%); highest among the groups gnomAD compares: African/African-American, 0.0027%; no homozygotes.

Submissions (6):

GeneDx
Classification: Likely pathogenic. Last evaluated: 2024-06-02. Review status: criteria provided, single submitter. Criteria: GeneDx Variant Classification Process June 2021. Collection method: clinical testing. Allele origin: germline. Affected: yes.
Comment: Identified in compound heterozygous state in a patient with leukopathy, intracranial calcifications and cysts, growth retardation, and skeletal demineralization and osteopenia in published literature (PMID: 25843205); Identified by exome sequencing in two unrelated individuals in published literature with bone marrow failure and Coats disease who each harbored a second CTC1 variant, the phase of which was unknown (PMID: 29146883); Identified in patient with intracranial calcifications, microcephaly, and developmental delay in published literature who harbored a second CTC1 variant, the phase of which is unknown (PMID: 22899577); Not observed at significant frequency in large population cohorts (gnomAD); In silico analysis supports that this missense variant has a deleterious effect on protein structure/function; In silico analysis suggests this variant may impact gene splicing. In the absence of RNA/functional studies, the actual effect of this sequence change is unknown.; This variant is associated with the following publications: (PMID: 32033110, 27535533, 36011306, 29146883, 25843205, 22899577)

Institute of Human Genetics, University of Leipzig Medical Center
Classification: Likely pathogenic for Cerebroretinal microangiopathy with calcifications and cysts 1. Last evaluated: 2023-10-23. Review status: criteria provided, single submitter. Criteria: ACMG Guidelines, 2015. Collection method: clinical testing. Allele origin: paternal. Inheritance: Autosomal recessive inheritance. Affected: yes.
Comment: Criteria applied: PM2_SUP,PP3,PS4_MOD,PM3

Women's Health and Genetics/Laboratory Corporation of America, LabCorp
Classification: Uncertain significance. Last evaluated: 2023-07-12. Review status: criteria provided, single submitter. Criteria: LabCorp Variant Classification Summary - May 2015. Collection method: clinical testing. Allele origin: germline.
Comment: Variant summary: CTC1 c.833G>T (p.Gly278Val) results in a non-conservative amino acid change in the encoded protein sequence. Five of five in-silico tools predict a damaging effect of the variant on protein function. The variant allele was found at a frequency of 4.1e-06 in 246488 control chromosomes (gnomAD). The available data on variant occurrences in the general population are insufficient to allow any conclusion about variant significance. c.833G>T has been reported in the literature in bi-allelic individuals affected with Dyskeratosis congenita (Walne_2013) and Cerebro-retinal microangiopathy with calcifications and cysts (Bisserbe_2015). These report(s) do not provide unequivocal conclusions about association of the variant with Cerebroretinal Microangiopathy With Calcifications And Cysts 1. To our knowledge, no experimental evidence demonstrating an impact on protein function has been reported. The following publications have been ascertained in the context of this evaluation (PMID: 25843205, 29146883, 22899577). Three submitters have cited clinical-significance assessments for this variant to ClinVar after 2014 and classified the variant as likely pathogenic (n=2) and VUS (n=1). Based on the evidence outlined above, the variant was classified as uncertain significance.

Labcorp Genetics (formerly Invitae), Labcorp
Classification: Uncertain significance for Dyskeratosis congenita. Last evaluated: 2022-06-27. Review status: criteria provided, single submitter. Criteria: Invitae Variant Classification Sherloc (09022015). Collection method: clinical testing. Allele origin: germline.
Comment: This sequence change replaces glycine, which is neutral and non-polar, with valine, which is neutral and non-polar, at codon 278 of the CTC1 protein (p.Gly278Val). This variant is present in population databases (rs768853291, gnomAD 0.007%). This missense change has been observed in individuals with clinical features of Coats plus syndrome (PMID: 22899577, 25843205, 29146883). ClinVar contains an entry for this variant (Variation ID: 660443). Algorithms developed to predict the effect of missense changes on protein structure and function are either unavailable or do not agree on the potential impact of this missense change (SIFT: "Deleterious"; PolyPhen-2: "Possibly Damaging"; Align-GVGD: "Class C0"). Algorithms developed to predict the effect of sequence changes on RNA splicing suggest that this variant may create or strengthen a splice site. In summary, the available evidence is currently insufficient to determine the role of this variant in disease. Therefore, it has been classified as a Variant of Uncertain Significance.

Genome-Nilou Lab
Classification: Likely pathogenic for Cerebroretinal microangiopathy with calcifications and cysts 1. Last evaluated: 2021-07-15. Review status: criteria provided, single submitter. Criteria: ACMG Guidelines, 2015. Collection method: clinical testing. Allele origin: germline. Affected: no.

Laboratoire de Génétique Moléculaire, CHU Bordeaux
Classification: Likely pathogenic. Review status: criteria provided, single submitter. Criteria: ACMG Guidelines, 2015. Collection method: clinical testing. Allele origin: germline. Affected: yes.

Literature cited by the submitters: PubMed 29146883 (cited by Women's Health and Genetics/Laboratory Corporation of America, LabCorp and Labcorp Genetics (formerly Invitae), Labcorp); PubMed 25843205 (cited by Women's Health and Genetics/Laboratory Corporation of America, LabCorp and Labcorp Genetics (formerly Invitae), Labcorp); PubMed 22899577 (cited by Women's Health and Genetics/Laboratory Corporation of America, LabCorp and Labcorp Genetics (formerly Invitae), Labcorp).

NM_025099.6(CTC1):c.833G>T (p.Gly278Val)

Gene: CTC1 (CST telomere replication complex component 1; minus strand). Cytogenetic location: 17p13.1.
Variant type: single nucleotide variant.
Coding change: c.833G>T on transcript NM_025099.6 (MANE Select); coding-DNA position 833, G replaced by T.
Protein change: p.Gly278Val; replaces glycine 278 with valine.
Molecular consequence: missense variant. On other transcripts: non-coding transcript variant (1).
Genome position (GRCh38, 1-based): chr17:8,236,302, C>A on the plus strand (G>T on the coding strand, the complement: CTC1 is on the minus strand). VCF-style: chr17-8236302-C-A. GRCh37 (hg19) VCF-style: chr17-8139620-C-A.
Other names: short protein forms G278V.
Identifiers: ClinVar variation 660443 (VCV000660443.14), dbSNP rs768853291, ClinGen allele CA8372540.
Genomic context (GRCh38, chr17:8,236,302, plus strand): 5'-ACATGCTGGCGCTGACCACGGATCTTGGACACTCGCAGTTCTGTCAGCACATAGGCTGTA[C>A]CAGGCCGAAGGGCTCTGTGCCACACCAGCTGGGCAGGGACCTGGCTTGTGCAGAGACAGG-3'
Protein context (NP_079375.3, residues 268-288): QLVWHRALRP[Gly278Val]TAYVLTELRV